The following is an entry in ClinVar:

NM_000405.5(GM2A):c.209del (p.Gly70fs)

Gene: GM2A (ganglioside GM2 activator; plus strand). Cytogenetic location: 5q33.1.
Variant type: Deletion.
Coding change: c.209del on transcript NM_000405.5 (MANE Select); coding-DNA position 209, one base deleted (G; older notation c.209delG).
Protein change: p.Gly70fs; shifts the reading frame from glycine 70.
Molecular consequence: frameshift variant.
Genome position (GRCh38, 1-based): chr5:151,259,882, G deleted; the last of 3 consecutive G bases (chr5:151,259,880-151,259,882); deleting any one gives the same sequence. VCF-style (leftmost placement, unchanged base first): chr5-151259879-TG-T. GRCh37 (hg19) VCF-style: chr5-150639440-TG-T.
Other names: c.209del, p.Gly70fs (NM_001167607.3); short protein forms G70fs.
Identifiers: ClinVar variation 1699419 (VCV001699419.3), dbSNP rs2114032531, ClinGen allele CA2573131734.

ClinVar aggregate classification (germline): Pathogenic (1 of 4 stars; one submission).

Conditions:
Tay-Sachs disease, variant AB. Also called: GM2 Activator Deficiency; Gm2-gangliosidosis, ab variant. Identifiers: Orphanet 309246, MedGen C0268275, MONDO:0010099, OMIM 272750.

Submission:

Victorian Clinical Genetics Services, Murdoch Childrens Research Institute
Classification: Pathogenic for Tay-Sachs disease, variant AB. Last evaluated: 2022-02-02. Review status: criteria provided, single submitter. Criteria: ACMG Guidelines, 2015. Collection method: clinical testing. Allele origin: germline. Inheritance: Autosomal recessive inheritance. Affected: yes.
Comment: Based on the classification scheme VCGS_Germline_v1.3.4, this variant is classified as Pathogenic. Following criteria are met: 0102 - Loss of function is a known mechanism of disease in this gene and is associated with GM2-gangliosidosis, AB variant (MIM# 272750). (I) 0106 - This gene is associated with autosomal recessive disease. (I) 0201 - Variant is predicted to cause nonsense-mediated decay (NMD) and loss of protein (premature termination codon is located at least 54 nucleotides upstream of the final exon-exon junction). (SP) 0251- This variant is heterozygous. (I) 0301 - Variant is absent from gnomAD (both v2 and v3). (SP) 0703 - Other NMD-predicted variants comparable to the one identified in this case have moderate previous evidence for pathogenicity. Some NMD-predicted variants have been reported in patients with GM2A-related disorders (PMID: 10364519, 24767253, 26082327, 28417072). (SP) 0807 - This variant has no previous evidence of pathogenicity. (I) 0905 - No published segregation evidence has been identified for this variant. (I) 1007 - No published functional evidence has been identified for this variant. (I) Legend: (SP) - Supporting pathogenic, (I) - Information, (SB) - Supporting benign

Literature cited by the submitters: PubMed 10364519; PubMed 24767253; PubMed 26082327; PubMed 28417072.